The following is an entry in ClinVar:

NM_172351.3(CD46):c.757A>G (p.Met253Val)

Gene: CD46 (CD46 molecule; plus strand). Cytogenetic location: 1q32.2.
Variant type: single nucleotide variant.
Coding change: c.757A>G on transcript NM_172351.3 (MANE Select); coding-DNA position 757, A replaced by G.
Protein change: p.Met253Val; replaces methionine 253 with valine.
Molecular consequence: missense variant.
Genome position (GRCh38, 1-based): chr1:207,767,096, A>G. VCF-style: chr1-207767096-A-G. GRCh37 (hg19) VCF-style: chr1-207940441-A-G.
Other names: c.757A>G, p.Met253Val (NM_002389.4, NM_153826.4, NM_172350.3 and 8 more transcripts); short protein forms M253V.
Identifiers: ClinVar variation 2639878 (VCV002639878.24), dbSNP rs2526529639, ClinGen allele CA344550939.

ClinVar aggregate classification (germline): Uncertain significance (1 of 4 stars; one submission).

Allele frequency attached by ClinVar (database versions not stated): gnomAD exomes below 0.00001.
gnomAD v4.1: 2 of 1,613,744 alleles (0.00012%); highest among the groups gnomAD compares: South Asian, 0.0022%; no homozygotes.

Submission:

CeGaT Center for Human Genetics Tuebingen
Classification: Uncertain significance. Last evaluated: 2022-03-01. Review status: criteria provided, single submitter. Criteria: CeGaT Center For Human Genetics Tuebingen Variant Classification Criteria Version 2. Collection method: clinical testing. Allele origin: germline. Affected: yes. Observed: 1 variant allele.
Comment: CD46: PM2, BP4